The following is an entry in ClinVar:

ClinVar aggregate classification (germline): Uncertain significance. Review status: criteria provided, multiple submitters, no conflicts (2 of 4 stars). 8 submissions from 6 submitters: Uncertain significance (8). Last evaluated 2025-09-02.

Conditions:
Cardiovascular phenotype. Identifiers: MedGen CN230736.
Dilated cardiomyopathy 1D. Identifiers: Orphanet 154, Orphanet 54260, MedGen C1832243, MONDO:0011095, OMIM 601494.
Hypertrophic cardiomyopathy 2. Also called: TNNT2-Related Familial Hypertrophic Cardiomyopathy. Identifiers: MedGen C1861864, MONDO:0007266, OMIM 115195.
Cardiomyopathy, familial restrictive, 3. Identifiers: Orphanet 75249, MedGen C2676271, MONDO:0012900, OMIM 612422.

Submissions (8):

Ambry Genetics
Classification: Uncertain significance for Cardiovascular phenotype. Last evaluated: 2025-09-02. Review status: criteria provided, single submitter. Criteria: Ambry Variant Classification Scheme 2023. Collection method: clinical testing. Allele origin: germline.
Comment: The p.G279E variant (also known as c.836G>A), located in coding exon 15 of the TNNT2 gene, results from a G to A substitution at nucleotide position 836. The glycine at codon 279 is replaced by glutamic acid, an amino acid with similar properties. This amino acid position is highly conserved in available vertebrate species. In addition, the in silico prediction for this alteration is inconclusive. Based on the available evidence, the clinical significance of this variant remains unclear.

Genome-Nilou Lab
Classification: Uncertain significance for Dilated cardiomyopathy 1D. Last evaluated: 2023-04-11. Review status: criteria provided, single submitter. Criteria: ACMG Guidelines, 2015. Collection method: clinical testing. Allele origin: germline. Affected: no.

Genome-Nilou Lab
Classification: Uncertain significance for Cardiomyopathy, familial restrictive, 3. Last evaluated: 2023-04-11. Review status: criteria provided, single submitter. Criteria: ACMG Guidelines, 2015. Collection method: clinical testing. Allele origin: germline. Affected: no.

Genome-Nilou Lab
Classification: Uncertain significance for Hypertrophic cardiomyopathy 2. Last evaluated: 2023-04-11. Review status: criteria provided, single submitter. Criteria: ACMG Guidelines, 2015. Collection method: clinical testing. Allele origin: germline. Affected: no.

Labcorp Genetics (formerly Invitae), Labcorp
Classification: Uncertain significance for Cardiomyopathy, familial restrictive, 3; Hypertrophic cardiomyopathy 2; Dilated cardiomyopathy 1D. Last evaluated: 2020-03-12. Review status: criteria provided, single submitter. Criteria: Invitae Variant Classification Sherloc (09022015). Collection method: clinical testing. Allele origin: germline.
Comment: This sequence change replaces glycine with glutamic acid at codon 279 of the TNNT2 protein (p.Gly279Glu). The glycine residue is weakly conserved and there is a moderate physicochemical difference between glycine and glutamic acid. This variant is not present in population databases (ExAC no frequency). This variant has not been reported in the literature in individuals with TNNT2-related conditions. ClinVar contains an entry for this variant (Variation ID: 179939). Algorithms developed to predict the effect of missense changes on protein structure and function are either unavailable or do not agree on the potential impact of this missense change (SIFT: "Tolerated"; PolyPhen-2: "Probably Damaging"; Align-GVGD: "Class C0"). In summary, the available evidence is currently insufficient to determine the role of this variant in disease. Therefore, it has been classified as a Variant of Uncertain Significance.

GeneDx
Classification: Uncertain significance. Last evaluated: 2019-09-13. Review status: criteria provided, single submitter. Criteria: GeneDx Variant Classification Process June 2021. Collection method: clinical testing. Allele origin: germline. Affected: yes.
Comment: Has not been previously published as pathogenic or benign to our knowledge; Not observed in large population cohorts (Lek et al., 2016); In silico analysis, which includes protein predictors and evolutionary conservation, supports a deleterious effect; Reported in ClinVar as a variant of uncertain significance (ClinVar Variant ID# 179939; Landrum et al., 2016)

Stanford Center for Inherited Cardiovascular Disease, Stanford University
Classification: Uncertain significance. Last evaluated: 2015-03-05. Review status: criteria provided, single submitter. Criteria: ACMG Guidelines, 2015. Collection method: provider interpretation. Allele origin: germline.

Laboratory for Molecular Medicine, Mass General Brigham Personalized Medicine
Classification: Uncertain significance. Last evaluated: 2014-08-14. Review status: criteria provided, single submitter. Criteria: LMM Criteria. Collection method: clinical testing. Allele origin: germline. Observed: 1 variant allele.
Comment: Variant classified as Uncertain Significance - Favor Pathogenic. The Gly279Glu v ariant in TNNT2 has not been reported in individuals with cardiomyopathy or in l arge population studies. This variant was predicted to be pathogenic using a com putational tool clinically validated by our laboratory. This tool's pathogenic p rediction is estimated to be correct 94% of the time (Jordan 2011). In summary, while there is some suspicion for a pathogenic role, the clinical significance o f the Gly279Glu variant is uncertain.

NM_001276345.2(TNNT2):c.866G>A (p.Gly289Glu)

Gene: TNNT2 (troponin T2, cardiac type; minus strand). Cytogenetic location: 1q32.1.
Variant type: single nucleotide variant.
Coding change: c.866G>A on transcript NM_001276345.2 (MANE Select); coding-DNA position 866, G replaced by A.
Protein change: p.Gly289Glu; replaces glycine 289 with glutamic acid.
Molecular consequence: missense variant.
Genome position (GRCh38, 1-based): chr1:201,359,241, C>T on the plus strand (G>A on the coding strand, the complement: TNNT2 is on the minus strand). VCF-style: chr1-201359241-C-T. GRCh37 (hg19) VCF-style: chr1-201328369-C-T.
Other names: c.857G>A, p.Gly286Glu (NM_000364.4); c.836G>A, p.Gly279Glu (NM_001001430.3, NM_001276347.2); c.827G>A, p.Gly276Glu (NM_001001431.3); c.818G>A, p.Gly273Glu (NM_001001432.3); c.737G>A, p.Gly246Glu (NM_001276346.2); short protein forms G279E, G286E, G273E, G289E, G246E, G276E.
Identifiers: ClinVar variation 179939 (VCV000179939.18), dbSNP rs727505233, ClinGen allele CA005269.